The following is an entry in ClinVar:

ClinVar aggregate classification (germline): Likely benign (1 of 4 stars; one submission).

Allele frequency attached by ClinVar (database versions not stated): gnomAD exomes 0.00124; ExAC 0.00150; ESP Exome Variant Server 0.00509; gnomAD 0.00538 and 0.00571; TOPMed 0.00562; 1000 Genomes Project 30x 0.00656; 1000 Genomes Project 0.00659.
gnomAD v4.1: 1,514 of 1,563,090 alleles (0.097%); highest among the groups gnomAD compares: African/African-American, 1.9%; 13 homozygotes.

Submission:

GeneDx
Classification: Likely benign. Last evaluated: 2018-06-14. Review status: criteria provided, single submitter. Criteria: GeneDx Variant Classification (06012015). Collection method: clinical testing. Allele origin: germline. Affected: yes.
Comment: This variant is considered likely benign or benign based on one or more of the following criteria: it is a conservative change, it occurs at a poorly conserved position in the protein, it is predicted to be benign by multiple in silico algorithms, and/or has population frequency not consistent with disease.

NM_001330260.2(SCN8A):c.2131+26A>C

Gene: SCN8A (sodium voltage-gated channel alpha subunit 8; plus strand). Cytogenetic location: 12q13.13.
Variant type: single nucleotide variant.
Coding change: c.2131+26A>C on transcript NM_001330260.2 (MANE Select); 26 bases into the intron after coding-DNA position 2131, A replaced by C.
Molecular consequence: intron variant.
Genome position (GRCh38, 1-based): chr12:51,746,061, A>C. VCF-style: chr12-51746061-A-C. GRCh37 (hg19) VCF-style: chr12-52139845-A-C.
Other names: c.2131+26A>C (NM_014191.4, NM_001177984.3, NM_001369788.1).
Identifiers: ClinVar variation 673212 (VCV000673212.1), dbSNP rs138151588, ClinGen allele CA6571431.
Genomic context (GRCh38, chr12:51,746,061, plus strand): 5'-TATAATGAGTGTTGTTACAAATACACTAGTAGAAGGTATGTGCCCTATAATGTCAGTCCA[A>C]CCGCTGAGATATAAATATGTAATGTGCATGGTAAATATAATCCCTGTCCCTTGGTCTGAG-3'